The following is an entry in ClinVar:

ClinVar aggregate classification (germline): Uncertain significance (1 of 4 stars; one submission).

Conditions:
Oto-palato-digital syndrome, type II (OPD2). Also called: Otopalatodigital Syndrome Type 2 (FLNA-OPD2); Otopalatodigital Syndrome, Type II; FACIOPALATOOSSEOUS SYNDROME; OPD II SYNDROME. Identifiers: Orphanet 669, Orphanet 90652, MedGen C1844696, MONDO:0010571, OMIM 304120.
Frontometaphyseal dysplasia (FMD1). Identifiers: Orphanet 1826, MedGen C0265293, MONDO:0015942.
Melnick-Needles syndrome (MNS). Also called: Melnick-Needles Syndrome (FLNA-MNS); MELNICK-NEEDLES OSTEODYSPLASTY; OSTEODYSPLASTY OF MELNICK AND NEEDLES. Identifiers: Orphanet 2484, MedGen C0025237, MONDO:0010650, OMIM 309350.
Heterotopia, periventricular, X-linked dominant (PVNH1). Also called: PERIVENTRICULAR NODULAR HETEROTOPIA 4; HETEROTOPIA, PERIVENTRICULAR, 1; X-linked periventricular heterotopia; PERIVENTRICULAR NODULAR HETEROTOPIA 1. Identifiers: Orphanet 2149, Orphanet 82004, MedGen C1848213, MONDO:0010233, OMIM 300049.

Allele frequency attached by ClinVar (database versions not stated): gnomAD exomes below 0.00001.

Submission:

Labcorp Genetics (formerly Invitae), Labcorp
Classification: Uncertain significance for Oto-palato-digital syndrome, type II; Heterotopia, periventricular, X-linked dominant; Frontometaphyseal dysplasia; Melnick-Needles syndrome. Last evaluated: 2022-04-18. Review status: criteria provided, single submitter. Criteria: Invitae Variant Classification Sherloc (09022015). Collection method: clinical testing. Allele origin: germline.
Comment: In summary, the available evidence is currently insufficient to determine the role of this variant in disease. Therefore, it has been classified as a Variant of Uncertain Significance. Advanced modeling of protein sequence and biophysical properties (such as structural, functional, and spatial information, amino acid conservation, physicochemical variation, residue mobility, and thermodynamic stability) performed at Invitae indicates that this missense variant is not expected to disrupt FLNA protein function. This variant has not been reported in the literature in individuals affected with FLNA-related conditions. This variant is not present in population databases (gnomAD no frequency). This sequence change replaces threonine, which is neutral and polar, with isoleucine, which is neutral and non-polar, at codon 341 of the FLNA protein (p.Thr341Ile).

NM_001110556.2(FLNA):c.1022C>T (p.Thr341Ile)

Gene: FLNA (filamin A; minus strand). Cytogenetic location: Xq28.
Variant type: single nucleotide variant.
Coding change: c.1022C>T on transcript NM_001110556.2 (MANE Select); coding-DNA position 1022, C replaced by T.
Protein change: p.Thr341Ile; replaces threonine 341 with isoleucine.
Molecular consequence: missense variant.
Genome position (GRCh38, 1-based): chrX:154,366,605, G>A on the plus strand (C>T on the coding strand, the complement: FLNA is on the minus strand). VCF-style: chrX-154366605-G-A. GRCh37 (hg19) VCF-style: chrX-153594973-G-A.
Other names: c.1022C>T, p.Thr341Ile (NM_001456.4); short protein forms T341I.
Identifiers: ClinVar variation 2165658 (VCV002165658.4), dbSNP rs2522761835, ClinGen allele CA415247182.